The following is an entry in ClinVar:

NM_000169.3(GLA):c.891T>C (p.Ser297=)

Genes: GLA (galactosidase alpha; minus strand), RPL36A-HNRNPH2 (RPL36A-HNRNPH2 readthrough; plus strand). Cytogenetic location: Xq22.1.
Variant type: single nucleotide variant.
Coding change: c.891T>C on transcript NM_000169.3 (MANE Select); coding-DNA position 891, T replaced by C.
Protein change: p.Ser297=; no amino-acid change (serine 297 retained).
Molecular consequence: synonymous variant. On other transcripts: non-coding transcript variant (3), intron variant (2).
Genome position (GRCh38, 1-based): chrX:101,398,478, A>G on the plus strand (T>C on the coding strand, the complement: GLA is on the minus strand). VCF-style: chrX-101398478-A-G. GRCh37 (hg19) VCF-style: chrX-100653466-A-G.
Other names: c.1014T>C, p.Ser338= (NM_001406747.1); c.891T>C, p.Ser297= (NM_001406748.1); c.300+3021A>G (NM_001199973.2); c.177+6656A>G (NM_001199974.2).
Identifiers: ClinVar variation 703448 (VCV000703448.28), dbSNP rs782575087, ClinGen allele CA032342.

ClinVar aggregate classification (germline): Likely benign. Review status: criteria provided, multiple submitters, no conflicts (2 of 4 stars). 5 submissions from 5 submitters: Likely benign (4). 1 of the submissions does not count toward it. Last evaluated 2025-11-17.

Conditions:
Cardiovascular phenotype. Identifiers: MedGen CN230736.
Fabry disease. Also called: Ceramide trihexosidosis; Fabry's disease; ALPHA-GALACTOSIDASE A DEFICIENCY; ANDERSON-FABRY DISEASE; CERAMIDE TRIHEXOSIDASE DEFICIENCY; GLA DEFICIENCY. Identifiers: Orphanet 324, MedGen C0002986, MONDO:0010526, OMIM 301500, HP:0001071. Disease mechanism: Fabry disease is due to inactivating mutations in the X-linked GLA gene resulting in deficiency of the enzyme Alpha Galactosidase-A., loss of function.

Allele frequency attached by ClinVar (database versions not stated): ExAC 0.00001; gnomAD exomes 0.00002; gnomAD 0.00005.

Submissions (5):

Labcorp Genetics (formerly Invitae), Labcorp
Classification: Likely benign for Fabry disease. Last evaluated: 2025-11-17. Review status: criteria provided, single submitter. Criteria: Invitae Variant Classification Sherloc (09022015). Collection method: clinical testing. Allele origin: germline.

Ambry Genetics
Classification: Likely benign for Cardiovascular phenotype. Last evaluated: 2025-05-14. Review status: criteria provided, single submitter. Criteria: Ambry Variant Classification Scheme 2023. Collection method: clinical testing. Allele origin: germline.

All of Us Research Program, National Institutes of Health
Classification: Likely benign for Fabry disease. Last evaluated: 2024-02-05. Review status: criteria provided, single submitter. Criteria: ACMG Guidelines, 2015. Collection method: clinical testing. Allele origin: germline. Inheritance: X-linked inheritance. Observed: 4 variant alleles, 3 heterozygotes, 1 homozygote.
Comment: This study involves interpretation of variants in research participants for the purpose of population health screening. Participant phenotype was not available at the time of variant classification. Additional details can be found in publication PMID: 35346344, PMCID: PMC8962531

Color Diagnostics, LLC DBA Color Health
Classification: Likely benign for Fabry disease. Last evaluated: 2021-06-02. Review status: criteria provided, single submitter. Criteria: ACMG Guidelines, 2015. Collection method: clinical testing. Allele origin: germline.

Natera, Inc.
Classification: Likely benign for Fabry disease. Last evaluated: 2021-04-21. Review status: no assertion criteria provided. Collection method: clinical testing. Allele origin: germline. Not counted in ClinVar's aggregate classification.